The following is an entry in ClinVar:

NM_006904.7(PRKDC):c.622A>G (p.Met208Val)

Gene: PRKDC (protein kinase, DNA-activated, catalytic subunit; minus strand). Cytogenetic location: 8q11.21.
Variant type: single nucleotide variant.
Coding change: c.622A>G on transcript NM_006904.7 (MANE Select); coding-DNA position 622, A replaced by G.
Protein change: p.Met208Val; replaces methionine 208 with valine.
Molecular consequence: missense variant.
Genome position (GRCh38, 1-based): chr8:47,953,719, T>C on the plus strand (A>G on the coding strand, the complement: PRKDC is on the minus strand). VCF-style: chr8-47953719-T-C. GRCh37 (hg19) VCF-style: chr8-48866279-T-C.
Other names: c.622A>G, p.Met208Val (NM_001081640.2); short protein forms M208V.
Identifiers: ClinVar variation 1752320 (VCV001752320.2), dbSNP rs778952016, ClinGen allele CA4741967.

ClinVar aggregate classification (germline): Uncertain significance (1 of 4 stars; one submission).

Allele frequency attached by ClinVar (database versions not stated): TOPMed 0.00001; gnomAD 0.00003; ExAC 0.00004.
gnomAD v4.1: 15 of 1,609,382 alleles (0.00093%); highest among the groups gnomAD compares: East Asian, 0.0089%; no homozygotes.

Submission:

Ambry Genetics
Classification: Uncertain significance. Last evaluated: 2021-06-30. Review status: criteria provided, single submitter. Criteria: Ambry Variant Classification Scheme 2023. Collection method: clinical testing. Allele origin: germline.
Comment: The p.M208V variant (also known as c.622A>G) is located in coding exon 7 of the PRKDC gene. The methionine at codon 208 is replaced by valine, an amino acid with highly similar properties. This change occurs in the first base pair of coding exon 7. This amino acid position is conserved. In addition, the in silico prediction for this alteration is inconclusive. Since supporting evidence is limited at this time, the clinical significance of this alteration remains unclear.